The following is an entry in ClinVar:

ClinVar aggregate classification (germline): Uncertain significance (1 of 4 stars; one submission).

Submission:

Labcorp Genetics (formerly Invitae), Labcorp
Classification: Uncertain significance. Last evaluated: 2024-03-01. Review status: criteria provided, single submitter. Criteria: Invitae Variant Classification Sherloc (09022015). Collection method: clinical testing. Allele origin: germline.
Comment: This sequence change replaces proline, which is neutral and non-polar, with alanine, which is neutral and non-polar, at codon 359 of the KANK2 protein (p.Pro359Ala). This variant is not present in population databases (gnomAD no frequency). This variant has not been reported in the literature in individuals affected with KANK2-related conditions. An algorithm developed to predict the effect of missense changes on protein structure and function (PolyPhen-2) suggests that this variant is likely to be tolerated. In summary, the available evidence is currently insufficient to determine the role of this variant in disease. Therefore, it has been classified as a Variant of Uncertain Significance.

NM_001136191.3(KANK2):c.1075C>G (p.Pro359Ala)

Gene: KANK2 (KN motif and ankyrin repeat domains 2; minus strand). Cytogenetic location: 19p13.2.
Variant type: single nucleotide variant.
Coding change: c.1075C>G on transcript NM_001136191.3 (MANE Select); coding-DNA position 1075, C replaced by G.
Protein change: p.Pro359Ala; replaces proline 359 with alanine.
Molecular consequence: missense variant.
Genome position (GRCh38, 1-based): chr19:11,193,005, G>C on the plus strand (C>G on the coding strand, the complement: KANK2 is on the minus strand). VCF-style: chr19-11193005-G-C. GRCh37 (hg19) VCF-style: chr19-11303681-G-C.
Other names: c.1075C>G, p.Pro359Ala (NM_001329451.2, NM_001379548.1, NM_001379559.1 and 15 more transcripts); short protein forms P359A.
Identifiers: ClinVar variation 3687291 (VCV003687291.2).